The following is an entry in ClinVar:

NM_000161.3(GCH1):c.146C>A (p.Pro49His)

Gene: GCH1 (GTP cyclohydrolase 1; minus strand). Cytogenetic location: 14q22.2.
Variant type: single nucleotide variant.
Coding change: c.146C>A on transcript NM_000161.3 (MANE Select); coding-DNA position 146, C replaced by A.
Protein change: p.Pro49His; replaces proline 49 with histidine.
Molecular consequence: missense variant.
Genome position (GRCh38, 1-based): chr14:54,902,518, G>T on the plus strand (C>A on the coding strand, the complement: GCH1 is on the minus strand). VCF-style: chr14-54902518-G-T. GRCh37 (hg19) VCF-style: chr14-55369236-G-T.
Other names: c.146C>A, p.Pro49His (NM_001024024.2, NM_001024070.2, NM_001024071.2 and 1 more transcripts); short protein forms P49H.
Identifiers: ClinVar variation 3753941 (VCV003753941.2).
Genomic context (GRCh38, chr14:54,902,518, plus strand): 5'-GGGAGGTTCAGCTCGTTATCCTCCTCGCTGCGGGGCCGCTCGCCCTTCCAGCCGTCCGCG[G>T]GCTGCGCGCTCTTGGCCTCGGGCCGCGGGGGCTTCTCCGCCGGCCTGCTGGGCCCGGGCC-3'
Protein context (NP_000152.1, residues 39-59): PPRPEAKSAQ[Pro49His]ADGWKGERPR

ClinVar aggregate classification (germline): Uncertain significance (1 of 4 stars; one submission).

Conditions:
GTP cyclohydrolase I deficiency. Identifiers: MedGen C0268467, MONDO:0100184.
Dystonia 5 (DRD). Also called: DYSTONIA, PROGRESSIVE, WITH DIURNAL VARIATION; DYSTONIA-PARKINSONISM WITH DIURNAL FLUCTUATION; GTP Cyclohydrolase 1-Deficient Dopa-Responsive Dystonia; Dystonia, DOPA-responsive, with or without hyperphenylalaninemia; DYT-GCH1. Identifiers: Orphanet 98808, MedGen C1851920, MONDO:0007495, OMIM 128230.

Submission:

Labcorp Genetics (formerly Invitae), Labcorp
Classification: Uncertain significance for GTP cyclohydrolase I deficiency; Dystonia 5. Last evaluated: 2025-09-02. Review status: criteria provided, single submitter. Criteria: Invitae Variant Classification Sherloc (09022015). Collection method: clinical testing. Allele origin: germline.
Comment: This sequence change replaces proline, which is neutral and non-polar, with histidine, which is basic and polar, at codon 49 of the GCH1 protein (p.Pro49His). This variant is not present in population databases (gnomAD no frequency). This variant has not been reported in the literature in individuals affected with GCH1-related conditions. ClinVar contains an entry for this variant (Variation ID: 3753941). Invitae Evidence Modeling of protein sequence and biophysical properties (such as structural, functional, and spatial information, amino acid conservation, physicochemical variation, residue mobility, and thermodynamic stability) indicates that this missense variant is not expected to disrupt GCH1 protein function with a negative predictive value of 95%. In summary, the available evidence is currently insufficient to determine the role of this variant in disease. Therefore, it has been classified as a Variant of Uncertain Significance.